The following is an entry in ClinVar:

NM_005148.4(UNC119):c.673C>T (p.Arg225Trp)

Gene: UNC119 (unc-119 lipid binding chaperone; minus strand). Cytogenetic location: 17q11.2.
Variant type: single nucleotide variant.
Coding change: c.673C>T on transcript NM_005148.4 (MANE Select); coding-DNA position 673, C replaced by T.
Protein change: p.Arg225Trp; replaces arginine 225 with tryptophan.
Molecular consequence: missense variant. On other transcripts: 3 prime UTR variant (1).
Genome position (GRCh38, 1-based): chr17:28,547,347, G>A on the plus strand (C>T on the coding strand, the complement: UNC119 is on the minus strand). VCF-style: chr17-28547347-G-A. GRCh37 (hg19) VCF-style: chr17-26874365-G-A.
Other names: c.388C>T, p.Arg130Trp (NM_001330166.2); c.*277C>T (NM_054035.2); short protein forms R130W, R225W.
Identifiers: ClinVar variation 2612729 (VCV002612729.5), dbSNP rs969504849, ClinGen allele CA289103246.

ClinVar aggregate classification (germline): Uncertain significance. Review status: criteria provided, multiple submitters, no conflicts (2 of 4 stars). 3 submissions from 3 submitters: Uncertain significance (3). Last evaluated 2024-03-09.

Allele frequency attached by ClinVar (database versions not stated): TOPMed below 0.00001.
gnomAD v4.1: 10 of 1,614,172 alleles (0.00062%); highest among the groups gnomAD compares: Non-Finnish European, 0.00085%; no homozygotes.

Submissions (3):

Labcorp Genetics (formerly Invitae), Labcorp
Classification: Uncertain significance. Last evaluated: 2024-03-09. Review status: criteria provided, single submitter. Criteria: Invitae Variant Classification Sherloc (09022015). Collection method: clinical testing. Allele origin: germline.
Comment: This sequence change replaces arginine, which is basic and polar, with tryptophan, which is neutral and slightly polar, at codon 225 of the UNC119 protein (p.Arg225Trp). This variant is not present in population databases (gnomAD no frequency). This variant has not been reported in the literature in individuals affected with UNC119-related conditions. ClinVar contains an entry for this variant (Variation ID: 2612729). An algorithm developed to predict the effect of missense changes on protein structure and function (PolyPhen-2) suggests that this variant is likely to be tolerated. In summary, the available evidence is currently insufficient to determine the role of this variant in disease. Therefore, it has been classified as a Variant of Uncertain Significance.

Ambry Genetics
Classification: Uncertain significance. Last evaluated: 2023-07-19. Review status: criteria provided, single submitter. Criteria: Ambry Variant Classification Scheme 2023. Collection method: clinical testing. Allele origin: germline.

GeneDx
Classification: Uncertain significance. Last evaluated: 2023-05-02. Review status: criteria provided, single submitter. Criteria: GeneDx Variant Classification Process June 2021. Collection method: clinical testing. Allele origin: germline. Affected: yes.
Comment: Not observed at significant frequency in large population cohorts (gnomAD); In silico analysis supports that this missense variant has a deleterious effect on protein structure/function; Has not been previously published as pathogenic or benign to our knowledge